The following is an entry in ClinVar:

ClinVar aggregate classification (germline): Likely pathogenic (1 of 4 stars; one submission).

Conditions:
MHC class II deficiency. Also called: BLS, TYPE II; Bare lymphocyte syndrome 2. Identifiers: Orphanet 572, MedGen C5447452, MONDO:0008855.

Submission:

Labcorp Genetics (formerly Invitae), Labcorp
Classification: Likely pathogenic for MHC class II deficiency. Last evaluated: 2022-09-12. Review status: criteria provided, single submitter. Criteria: Invitae Variant Classification Sherloc (09022015). Collection method: clinical testing. Allele origin: germline.
Comment: ClinVar contains an entry for this variant (Variation ID: 1461138). In summary, the currently available evidence indicates that the variant is pathogenic, but additional data are needed to prove that conclusively. Therefore, this variant has been classified as Likely Pathogenic. This premature translational stop signal has been observed in individual(s) with recurrent infections occurring from an early age (Invitae). In at least one individual the data is consistent with being in trans (on the opposite chromosome) from a pathogenic variant. It has also been observed to segregate with disease in related individuals. This sequence change creates a premature translational stop signal (p.Ser571Glnfs*22) in the RFX5 gene. While this is not anticipated to result in nonsense mediated decay, it is expected to disrupt the last 46 amino acid(s) of the RFX5 protein. This variant is present in population databases (rs763938154, gnomAD 0.003%).

NM_001025603.2(RFX5):c.1706dup (p.Ser571fs)

Gene: RFX5 (regulatory factor X5; minus strand). Cytogenetic location: 1q21.3.
Variant type: Duplication.
Coding change: c.1706dup on transcript NM_001025603.2 (MANE Select); coding-DNA position 1706, one base duplicated (A; older notation c.1706dupA).
Protein change: p.Ser571fs; shifts the reading frame from serine 571.
Molecular consequence: frameshift variant.
Genome position (GRCh38, 1-based): chr1:151,342,331, T duplicated on the plus strand (A on the coding strand, the reverse complement: RFX5 is on the minus strand); the first of 2 consecutive T bases (chr1:151,342,331-151,342,332); duplicating either gives the same sequence. VCF-style (leftmost placement, unchanged base first): chr1-151342330-C-CT. GRCh37 (hg19) VCF-style: chr1-151314806-C-CT.
Other names: c.1706dup, p.Ser571fs (NM_000449.4, NM_001379412.1, NM_001379413.1 and 5 more transcripts); c.1586dup, p.Ser531fs (NM_001379419.1, NM_001379420.1); short protein forms S571fs, S531fs.
Identifiers: ClinVar variation 1461138 (VCV001461138.6), dbSNP rs763938154, ClinGen allele CA1089555.